The following is an entry in ClinVar:

ClinVar aggregate classification (germline): Pathogenic (1 of 4 stars; one submission).

Conditions:
Achondrogenesis, type IA (ACG1A). Identifiers: Orphanet 932, Orphanet 93299, MedGen C0265273, MONDO:0008701, OMIM 200600.
Odontochondrodysplasia 1. Identifiers: Orphanet 166272, MedGen C5542277, MONDO:0100325, OMIM 184260.

gnomAD v4.1: 1 of 1,613,342 alleles (0.000062%); no homozygotes.

Submission:

Juno Genomics, Hangzhou Juno Genomics, Inc
Classification: Pathogenic for Achondrogenesis, type IA; Odontochondrodysplasia 1. Review status: criteria provided, single submitter. Criteria: ACMG Guidelines, 2015. Collection method: clinical testing. Allele origin: germline.
Comment: Absent from controls (or at extremely low frequency if recessive) in Genome Aggregation Database.;Null variant in a gene where loss of function (LOF) is a known mechanism of disease.;For recessive disorders, detected in trans with a pathogenic variant.

NM_004239.4(TRIP11):c.5056+1G>C

Gene: TRIP11 (thyroid hormone receptor interactor 11; minus strand). Cytogenetic location: 14q32.12.
Variant type: single nucleotide variant.
Coding change: c.5056+1G>C on transcript NM_004239.4 (MANE Select); the canonical splice donor site of the intron after coding-DNA position 5056, G replaced by C.
Molecular consequence: splice donor variant.
Genome position (GRCh38, 1-based): chr14:91,995,351, C>G on the plus strand (G>C on the coding strand, the complement: TRIP11 is on the minus strand). VCF-style: chr14-91995351-C-G. GRCh37 (hg19) VCF-style: chr14-92461695-C-G.
Other names: c.5053+1G>C (NM_001321851.1).
Identifiers: ClinVar variation 5005361 (VCV005005361.2).